The following is an entry in ClinVar:

NM_001211.6(BUB1B):c.667C>T (p.Gln223Ter)

Gene: BUB1B (BUB1 mitotic checkpoint serine/threonine kinase B; plus strand). Cytogenetic location: 15q15.1.
Variant type: single nucleotide variant.
Coding change: c.667C>T on transcript NM_001211.6 (MANE Select); coding-DNA position 667, C replaced by T.
Protein change: p.Gln223Ter; replaces glutamine 223 with a stop codon.
Molecular consequence: nonsense.
Genome position (GRCh38, 1-based): chr15:40,183,799, C>T. VCF-style: chr15-40183799-C-T. GRCh37 (hg19) VCF-style: chr15-40476000-C-T.
Other names: short protein forms Q223*.
Identifiers: ClinVar variation 1172740 (VCV001172740.2), dbSNP rs1290506364, ClinGen allele CA391683354.
Genomic context (GRCh38, chr15:40,183,799, plus strand): 5'-CAAACTCTGTTGGCACTTGAGAAAGAAGAAGAGGAGGAAGTTTTTGAGTCTTCTGTACCA[C>T]AACGAAGCACACTAGCTGAACTAAAGAGCAAAGGGAAAAAGACAGCAAGAGCTCCAATCA-3'

ClinVar aggregate classification (germline): Likely pathogenic (1 of 4 stars; one submission).

Conditions:
Mosaic variegated aneuploidy syndrome. Also called: MVA SYNDROME. Identifiers: Orphanet 1052, MedGen C4551972, MONDO:0000141.

Allele frequency attached by ClinVar (database versions not stated): gnomAD exomes below 0.00001; gnomAD 0.00002.
gnomAD v4.1: 4 of 1,613,948 alleles (0.00025%); highest among the groups gnomAD compares: African/African-American, 0.0053%; no homozygotes.

Submission:

St. Jude Molecular Pathology, St. Jude Children's Research Hospital
Classification: Likely pathogenic for Mosaic variegated aneuploidy syndrome. Last evaluated: 2021-04-22. Review status: criteria provided, single submitter. Criteria: St. Jude Assertion Criteria 2020. Collection method: clinical testing. Allele origin: germline.
Comment: The BUB1B c.667C>T (p.Gln223Ter) change is a nonsense variant that is predicted to cause premature protein truncation and loss of normal protein function (PVS1). This variant has a maximum frequency of 0.01% in gnomAD v2.1.1 (PM2_supporting). To our knowledge, this variant has not been reported in individuals with mosaic variegated aneuploidy syndrome. In summary, this variant meets criteria to be classified as likely pathogenic based on the ACMG/AMP criteria: PVS1, PM2.